The following is an entry in ClinVar:

ClinVar aggregate classification (germline): Uncertain significance (1 of 4 stars; one submission).

Conditions:
Postaxial polydactyly-anterior pituitary anomalies-facial dysmorphism syndrome. Also called: Culler-Jones syndrome. Identifiers: Orphanet 420584, MedGen C4014479, MONDO:0014369, OMIM 615849.

Allele frequency attached by ClinVar (database versions not stated): gnomAD exomes below 0.00001.
gnomAD v4.1: 4 of 1,613,974 alleles (0.00025%); highest among the groups gnomAD compares: Non-Finnish European, 0.00034%; no homozygotes.

Submission:

Victorian Clinical Genetics Services, Murdoch Childrens Research Institute
Classification: Uncertain significance for Postaxial polydactyly-anterior pituitary anomalies-facial dysmorphism syndrome. Last evaluated: 2022-09-02. Review status: criteria provided, single submitter. Criteria: ACMG Guidelines, 2015. Collection method: clinical testing. Allele origin: germline. Inheritance: Autosomal dominant inheritance. Affected: yes.
Comment: Based on the classification scheme VCGS_Germline_v1.3.4, this variant is classified as VUS-3C. Following criteria are met: 0103 - Dominant negative and loss of function are known mechanisms of disease in this gene and are associated with Culler-Jones syndrome (MIM#615849) and holoprosencephaly 9 (MIM#610829) (PMID: 15994174, PMID: 23408573). (I) 0107 - This gene is associated with autosomal dominant disease. (I) 0200 - Variant is predicted to result in a missense amino acid change from alanine to valine. (I) 0251 - This variant is heterozygous. (I) 0301 - Variant is absent from gnomAD (both v2 and v3). (SP) 0503 - Missense variant consistently predicted to be tolerated by multiple in silico tools or not conserved in placental mammals with a minor amino acid change. (SB) 0604 - Variant is not located in an established domain, motif, hotspot or informative constraint region. (I) 0705 - No comparable missense variants have previous evidence for pathogenicity. (I) 0807 - This variant has no previous evidence of pathogenicity. (I) 0905 - No published segregation evidence has been identified for this variant. (I) 1007 - No published functional evidence has been identified for this variant. (I) 1208 - Inheritance information for this variant is not currently available in this individual. (I) Legend: (SP) - Supporting pathogenic, (I) - Information, (SB) - Supporting benign

Literature cited by the submitters: PubMed 15994174; PubMed 23408573.

NM_001374353.1(GLI2):c.4532C>T (p.Ala1511Val)

Gene: GLI2 (GLI family zinc finger 2; plus strand). Cytogenetic location: 2q14.2.
Variant type: single nucleotide variant.
Coding change: c.4532C>T on transcript NM_001374353.1 (MANE Select); coding-DNA position 4532, C replaced by T.
Protein change: p.Ala1511Val; replaces alanine 1511 with valine.
Molecular consequence: missense variant.
Genome position (GRCh38, 1-based): chr2:120,990,497, C>T. VCF-style: chr2-120990497-C-T. GRCh37 (hg19) VCF-style: chr2-121748073-C-T.
Other names: c.4583C>T, p.Ala1528Val (NM_001371271.1, NM_005270.5); c.4157C>T, p.Ala1386Val (NM_001374354.1); short protein forms A1386V, A1511V, A1528V.
Identifiers: ClinVar variation 1806006 (VCV001806006.1), dbSNP rs1683247967, ClinGen allele CA348180045.